The following is an entry in ClinVar:

ClinVar aggregate classification (germline): Conflicting classifications of pathogenicity. Review status: criteria provided, conflicting classifications (1 of 4 stars). 3 submissions from 3 submitters: Uncertain significance (1); Likely benign (2). Last evaluated 2024-05-30.

Conditions:
Hereditary cancer-predisposing syndrome. Also called: Tumor predisposition; Neoplastic Syndromes, Hereditary; Hereditary neoplastic syndrome; Hereditary Cancer Syndrome. Identifiers: Orphanet 140162, MedGen C0027672, MeSH D009386, MONDO:0015356.
Juvenile polyposis/hereditary hemorrhagic telangiectasia syndrome (JPHT). Also called: Juvenile Polyposis Syndrome / Hereditary Hemorrhagic Telangiectasia (JPS/HHT); JP/HHT SYNDROME; JUVENILE POLYPOSIS WITH HEREDITARY HEMORRHAGIC TELANGIECTASIA; POLYPOSIS, GENERALIZED JUVENILE, WITH PULMONARY ARTERIOVENOUS MALFORMATION; TELANGIECTASIA, HEREDITARY HEMORRHAGIC, WITH JUVENILE POLYPOSIS COLI. Identifiers: Orphanet 2929, MedGen C1832942, MONDO:0008278, OMIM 175050.
Generalized juvenile polyposis/juvenile polyposis coli. Also called: Juvenile polyposis coli. Identifiers: Orphanet 329971, MedGen C1868081, MONDO:0008276.

Allele frequency attached by ClinVar (database versions not stated): gnomAD exomes below 0.00001; gnomAD 0.00001.
gnomAD v4.1: 4 of 1,612,602 alleles (0.00025%); highest among the groups gnomAD compares: Admixed American, 0.0017%; no homozygotes.

Submissions (3):

All of Us Research Program, National Institutes of Health
Classification: Likely benign for Juvenile polyposis/hereditary hemorrhagic telangiectasia syndrome. Last evaluated: 2024-05-30. Review status: criteria provided, single submitter. Criteria: ACMG Guidelines, 2015. Collection method: clinical testing. Allele origin: germline. Inheritance: Autosomal dominant inheritance. Observed: 1 variant allele, 1 heterozygote.
Comment: This study involves interpretation of variants in research participants for the purpose of population health screening. Participant phenotype was not available at the time of variant classification. Additional details can be found in publication PMID: 35346344, PMCID: PMC8962531

Color Diagnostics, LLC DBA Color Health
Classification: Likely benign for Hereditary cancer-predisposing syndrome. Last evaluated: 2016-06-30. Review status: criteria provided, single submitter. Criteria: ACMG Guidelines, 2015. Collection method: clinical testing. Allele origin: germline.

Labcorp Genetics (formerly Invitae), Labcorp
Classification: Uncertain significance for Juvenile polyposis syndrome. Last evaluated: 2015-08-16. Review status: criteria provided, single submitter. Criteria: Invitae Variant Classification Sherloc (09022015). Collection method: clinical testing. Allele origin: germline.
Comment: This sequence change falls in the 5'UTR of the SMAD4 gene. It does not change the encoded amino acid sequence of the SMAD4 protein. This variant is not present in population databases and has not been published in the literature. In summary, this is a novel 5'UTR change with uncertain impact on SMAD4 transcription. It has been classified as a Variant of Uncertain Significance.

NM_005359.6(SMAD4):c.-9C>G

Gene: SMAD4 (SMAD family member 4; plus strand). Cytogenetic location: 18q21.2.
Variant type: single nucleotide variant.
Coding change: c.-9C>G on transcript NM_005359.6 (MANE Select); 9 bases upstream of the start codon, C replaced by G.
Molecular consequence: 5 prime UTR variant.
Genome position (GRCh38, 1-based): chr18:51,047,038, C>G. VCF-style: chr18-51047038-C-G. GRCh37 (hg19) VCF-style: chr18-48573408-C-G.
Identifiers: ClinVar variation 219871 (VCV000219871.3), dbSNP rs864622289, ClinGen allele CA349010.